The following is an entry in ClinVar:

ClinVar aggregate classification (germline): Likely benign. Review status: criteria provided, multiple submitters, no conflicts (2 of 4 stars). 3 submissions from 3 submitters: Likely benign (2). 1 of the submissions does not count toward it. Last evaluated 2025-03-23.

Conditions:
Cardiovascular phenotype. Identifiers: MedGen CN230736.
Dilated cardiomyopathy 1G (CMD1G). Identifiers: Orphanet 154, MedGen C1858763, MONDO:0011400, OMIM 604145.
Autosomal recessive limb-girdle muscular dystrophy type 2J (LGMDR10). Also called: Limb-girdle muscular dystrophy, type 2J; MUSCULAR DYSTROPHY, LIMB-GIRDLE, AUTOSOMAL RECESSIVE 10. Identifiers: Orphanet 140922, MedGen C1837342, MONDO:0012127, OMIM 608807.
TTN-related disorder. Also called: TTN-related disorders; TTN-related condition; TTN-related disease.

Allele frequency attached by ClinVar (database versions not stated): gnomAD exomes below 0.00001 and 0.00001.
gnomAD v4.1: 3 of 1,605,962 alleles (0.00019%); highest among the groups gnomAD compares: Admixed American, 0.0034%; no homozygotes.

Submissions (3):

Labcorp Genetics (formerly Invitae), Labcorp
Classification: Likely benign for Dilated cardiomyopathy 1G; Autosomal recessive limb-girdle muscular dystrophy type 2J. Last evaluated: 2025-03-23. Review status: criteria provided, single submitter. Criteria: Invitae Variant Classification Sherloc (09022015). Collection method: clinical testing. Allele origin: germline.

Ambry Genetics
Classification: Likely benign for Cardiovascular phenotype. Last evaluated: 2025-02-09. Review status: criteria provided, single submitter. Criteria: Ambry Variant Classification Scheme 2023. Collection method: clinical testing. Allele origin: germline.

PreventionGenetics, part of Exact Sciences
Classification: Likely benign for TTN-related condition. Last evaluated: 2019-05-02. Review status: no assertion criteria provided. Collection method: clinical testing. Allele origin: germline. Not counted in ClinVar's aggregate classification.
Comment: This variant is classified as likely benign based on ACMG/AMP sequence variant interpretation guidelines (Richards et al. 2015 PMID: 25741868, with internal and published modifications).

NM_001267550.2(TTN):c.78816A>G (p.Ala26272=)

Genes: TTN (titin; minus strand), TTN-AS1 (TTN antisense RNA 1; plus strand). Cytogenetic location: 2q31.2.
Variant type: single nucleotide variant.
Coding change: c.78816A>G on transcript NM_001267550.2 (MANE Select); coding-DNA position 78816, A replaced by G.
Protein change: p.Ala26272=; no amino-acid change (alanine 26272 retained).
Molecular consequence: synonymous variant.
Genome position (GRCh38, 1-based): chr2:178,567,316, T>C on the plus strand (A>G on the coding strand, the complement: TTN is on the minus strand). VCF-style: chr2-178567316-T-C. GRCh37 (hg19) VCF-style: chr2-179432043-T-C.
Other names: c.73893A>G, p.Ala24631= (NM_001256850.1); c.51621A>G, p.Ala17207= (NM_003319.4); c.71112A>G, p.Ala23704= (NM_133378.4); c.51996A>G, p.Ala17332= (NM_133432.3); c.52197A>G, p.Ala17399= (NM_133437.4).
Identifiers: ClinVar variation 795031 (VCV000795031.12), dbSNP rs768044952, ClinGen allele CA60991119.